The following is an entry in ClinVar:

ClinVar aggregate classification (germline): Pathogenic (1 of 4 stars; one submission).

Conditions:
Mucopolysaccharidosis, MPS-IV-A (MPS4A). Also called: MPS IVA; GALACTOSAMINE-6-SULFATASE DEFICIENCY; GALNS DEFICIENCY; MORQUIO A DISEASE; Morquio syndrome A, mild; MORQUIO SYNDROME A. Identifiers: Orphanet 309297, Orphanet 582, MedGen C0086651, MONDO:0009659, OMIM 253000.

Submission:

Labcorp Genetics (formerly Invitae), Labcorp
Classification: Pathogenic for Mucopolysaccharidosis, MPS-IV-A. Last evaluated: 2022-12-31. Review status: criteria provided, single submitter. Criteria: Invitae Variant Classification Sherloc (09022015). Collection method: clinical testing. Allele origin: germline.
Comment: For these reasons, this variant has been classified as Pathogenic. This variant has not been reported in the literature in individuals affected with GALNS-related conditions. This variant is a gross deletion of the genomic region encompassing exon(s) 1 of the GALNS gene, which includes the initiator codon. This deletion extends beyond the assayed region for this gene and therefore may encompass additional genes. It is expected to result in an absent or disrupted protein product. Loss-of-function variants in GALNS are known to be pathogenic (PMID: 12442278).

Literature cited by the submitters: PubMed 12442278.

NC_000016.9:g.(?_88923146)_(88923285_?)del

Gene: GALNS (galactosamine (N-acetyl)-6-sulfatase; minus strand). Cytogenetic location: 16q24.3.
Variant type: Deletion.
Identifiers: ClinVar variation 1458315 (VCV001458315.4).